The following is an entry in ClinVar:

ClinVar aggregate classification (germline): Uncertain significance. Review status: criteria provided, multiple submitters, no conflicts (2 of 4 stars). 2 submissions from 2 submitters: Uncertain significance (2). Last evaluated 2026-08-22.

Conditions:
Neuroblastoma, susceptibility to, 3. Also called: ALK-Related Neuroblastic Tumor Susceptibility. Identifiers: Orphanet 635, MedGen C2751681, MONDO:0013083, OMIM 613014.
Hereditary cancer-predisposing syndrome. Also called: Hereditary Cancer Syndrome; Hereditary neoplastic syndrome; Neoplastic Syndromes, Hereditary; Tumor predisposition. Identifiers: Orphanet 140162, MedGen C0027672, MeSH D009386, MONDO:0015356.

Allele frequency attached by ClinVar (database versions not stated): gnomAD exomes below 0.00001.
gnomAD v4.1: 3 of 1,574,308 alleles (0.00019%); highest among the groups gnomAD compares: Non-Finnish European, 0.00026%; no homozygotes.

Submissions (2):

Ambry Genetics
Classification: Uncertain significance for Hereditary cancer-predisposing syndrome. Last evaluated: 2026-08-22. Review status: criteria provided, single submitter. Criteria: Ambry Variant Classification Scheme 2023. Collection method: clinical testing. Allele origin: germline.
Comment: The p.S124F variant (also known as c.371C>T), located in coding exon 1 of the ALK gene, results from a C to T substitution at nucleotide position 371. The serine at codon 124 is replaced by phenylalanine, an amino acid with highly dissimilar properties. This amino acid position is conserved. In addition, the in silico prediction for this alteration is inconclusive. Based on the available evidence, the clinical significance of this variant remains unclear.

Labcorp Genetics (formerly Invitae), Labcorp
Classification: Uncertain significance for Neuroblastoma, susceptibility to, 3. Last evaluated: 2023-07-28. Review status: criteria provided, single submitter. Criteria: Invitae Variant Classification Sherloc (09022015). Collection method: clinical testing. Allele origin: germline.
Comment: In summary, the available evidence is currently insufficient to determine the role of this variant in disease. Therefore, it has been classified as a Variant of Uncertain Significance. An algorithm developed to predict the effect of missense changes on protein structure and function (PolyPhen-2) suggests that this variant is likely to be tolerated. This variant has not been reported in the literature in individuals affected with ALK-related conditions. This variant is not present in population databases (gnomAD no frequency). This sequence change replaces serine, which is neutral and polar, with phenylalanine, which is neutral and non-polar, at codon 124 of the ALK protein (p.Ser124Phe).

NM_004304.5(ALK):c.371C>T (p.Ser124Phe)

Gene: ALK (ALK receptor tyrosine kinase; minus strand). Cytogenetic location: 2p23.1.
Variant type: single nucleotide variant.
Coding change: c.371C>T on transcript NM_004304.5 (MANE Select); coding-DNA position 371, C replaced by T.
Protein change: p.Ser124Phe; replaces serine 124 with phenylalanine.
Molecular consequence: missense variant.
Genome position (GRCh38, 1-based): chr2:29,920,289, G>A on the plus strand (C>T on the coding strand, the complement: ALK is on the minus strand). VCF-style: chr2-29920289-G-A. GRCh37 (hg19) VCF-style: chr2-30143155-G-A.
Other names: c.371C>T (NM_004304.4); short protein forms S124F.
Identifiers: ClinVar variation 2880558 (VCV002880558.4), dbSNP rs2148443409, ClinGen allele CA346590171.